The following is an entry in ClinVar:

ClinVar aggregate classification (germline): Conflicting classifications of pathogenicity. Review status: criteria provided, conflicting classifications (1 of 4 stars). 3 submissions from 3 submitters: Likely pathogenic (2); Uncertain significance (1). Last evaluated 2025-09-10.

Conditions:
Familial Mediterranean fever (FMF). Also called: POLYSEROSITIS, FAMILIAL PAROXYSMAL; POLYSEROSITIS, RECURRENT; Periodic peritonitis; Benign paroxysmal peritonitis. Identifiers: Orphanet 342, MedGen C0031069, MONDO:0018088, OMIM 249100. Disease mechanism: gain of function.

Allele frequency attached by ClinVar (database versions not stated): TOPMed below 0.00001; gnomAD exomes below 0.00001.

Submissions (3):

Genomic Medicine Center of Excellence, King Faisal Specialist Hospital and Research Centre
Classification: Likely pathogenic for Familial Mediterranean fever. Last evaluated: 2025-09-10. Review status: criteria provided, single submitter. Criteria: ACMG Guidelines, 2015. Collection method: clinical testing. Allele origin: germline.

Revvity Omics, Revvity
Classification: Likely pathogenic. Last evaluated: 2025-02-06. Review status: criteria provided, single submitter. Criteria: ACMG Guidelines, 2015. Collection method: clinical testing. Allele origin: germline.

Labcorp Genetics (formerly Invitae), Labcorp
Classification: Uncertain significance for Familial Mediterranean fever. Last evaluated: 2022-02-23. Review status: criteria provided, single submitter. Criteria: Invitae Variant Classification Sherloc (09022015). Collection method: clinical testing. Allele origin: germline.
Comment: This sequence change creates a premature translational stop signal (p.Glu438Glyfs*18) in the MEFV gene. It is expected to result in an absent or disrupted protein product. However, the current clinical and genetic evidence is not sufficient to establish whether loss-of-function variants in MEFV cause disease. This variant is present in population databases (no rsID available, gnomAD 0.01%). This variant has not been reported in the literature in individuals affected with MEFV-related conditions. In summary, the available evidence is currently insufficient to determine the role of this variant in disease. Therefore, it has been classified as a Variant of Uncertain Significance.

NM_000243.3(MEFV):c.1308_1309del (p.Glu438fs)

Gene: MEFV (MEFV innate immunity regulator, pyrin; minus strand). Cytogenetic location: 16p13.3.
Variant type: Deletion.
Coding change: c.1308_1309del on transcript NM_000243.3 (MANE Select); coding-DNA positions 1308 to 1309, 2 bases deleted (AG; older notation c.1308_1309delAG).
Protein change: p.Glu438fs; shifts the reading frame from glutamic acid 438.
Molecular consequence: frameshift variant.
Genome position (GRCh38, 1-based): chr16:3,248,956-3,248,957, CT deleted on the plus strand (AG on the coding strand, the reverse complement: MEFV is on the minus strand). VCF-style (leftmost placement, unchanged base first): chr16-3248955-CCT-C. GRCh37 (hg19) VCF-style: chr16-3298955-CCT-C.
Other names: c.1308_1309delAG, p.Glu438Glyfs (NM_000243.2); c.675_676del, p.Glu227fs (NM_001198536.2); c.1308_1309del (NM_000243.2); short protein forms E227fs, E438fs.
Identifiers: ClinVar variation 2044091 (VCV002044091.3), dbSNP rs1470057332, ClinGen allele CA620435023.